The following is an entry in ClinVar:

NM_002667.5(PLN):c.149T>C (p.Met50Thr)

Genes: CEP85L (centrosomal protein 85L; minus strand), PLN (phospholamban; plus strand). Cytogenetic location: 6q22.31.
Variant type: single nucleotide variant.
Coding change: c.149T>C on transcript NM_002667.5 (MANE Select); coding-DNA position 149, T replaced by C.
Protein change: p.Met50Thr; replaces methionine 50 with threonine.
Molecular consequence: missense variant. On other transcripts: intron variant (3).
Genome position (GRCh38, 1-based): chr6:118,559,070, T>C. VCF-style: chr6-118559070-T-C. GRCh37 (hg19) VCF-style: chr6-118880233-T-C.
Other names: c.1029+6459A>G (NM_001178035.2); c.1020+6459A>G (NM_001042475.3, NM_206921.3); short protein forms M50T.
Identifiers: ClinVar variation 1017276 (VCV001017276.10), dbSNP rs1779076744, ClinGen allele CA365546776.

ClinVar aggregate classification (germline): Uncertain significance. Review status: criteria provided, multiple submitters, no conflicts (2 of 4 stars). 2 submissions from 2 submitters: Uncertain significance (2). Last evaluated 2020-06-04.

Conditions:
Cardiomyopathy (CMYO). Also called: Cardiomyopathies. Identifiers: Orphanet 167848, MedGen C0878544, MONDO:0004994, HP:0001638. Inheritance: Various modes of inheritance.
Dilated cardiomyopathy 1P (CMD1P). Identifiers: Orphanet 154, MedGen C1835928, MONDO:0012362, OMIM 609909.

Allele frequency attached by ClinVar (database versions not stated): gnomAD exomes below 0.00001.
gnomAD v4.1: 1 of 1,611,736 alleles (0.000062%); highest among the groups gnomAD compares: Non-Finnish European, 0.000085%; no homozygotes.

Submissions (2):

Labcorp Genetics (formerly Invitae), Labcorp
Classification: Uncertain significance for Dilated cardiomyopathy 1P. Last evaluated: 2020-06-04. Review status: criteria provided, single submitter. Criteria: Invitae Variant Classification Sherloc (09022015). Collection method: clinical testing. Allele origin: germline.
Comment: This sequence change replaces methionine with threonine at codon 50 of the PLN protein (p.Met50Thr). The methionine residue is highly conserved and there is a moderate physicochemical difference between methionine and threonine. This variant is not present in population databases (ExAC no frequency). This variant has not been reported in the literature in individuals with PLN-related conditions. Algorithms developed to predict the effect of missense changes on protein structure and function are either unavailable or do not agree on the potential impact of this missense change (SIFT: "Deleterious"; PolyPhen-2: "Benign"; Align-GVGD: "Class C65"). In summary, the available evidence is currently insufficient to determine the role of this variant in disease. Therefore, it has been classified as a Variant of Uncertain Significance.

CHEO Genetics Diagnostic Laboratory, Children's Hospital of Eastern Ontario
Classification: Uncertain significance for Cardiomyopathy. Last evaluated: 2020-01-08. Review status: criteria provided, single submitter. Criteria: ACMG Guidelines, 2015. Collection method: clinical testing. Allele origin: germline.